The following is an entry in ClinVar:

ClinVar aggregate classification (germline): Uncertain significance. Review status: criteria provided, multiple submitters, no conflicts (2 of 4 stars). 4 submissions from 4 submitters: Uncertain significance (4). Last evaluated 2025-10-17.

Conditions:
Arrhythmogenic right ventricular dysplasia 11. Also called: Arrhythmogenic Right Ventricular Dysplasia/Cardiomyopathy11; ARRHYTHMOGENIC RIGHT VENTRICULAR DYSPLASIA, FAMILIAL, 11; Arrhythmogenic right ventricular dysplasia 11 with mild palmoplantar keratoderma and woolly hair. Identifiers: MedGen C1864850, MONDO:0012506, OMIM 610476.
Cardiovascular phenotype. Identifiers: MedGen CN230736.
Cardiomyopathy (CMYO). Also called: Cardiomyopathies. Identifiers: Orphanet 167848, MedGen C0878544, MONDO:0004994, HP:0001638. Inheritance: Various modes of inheritance.

Allele frequency attached by ClinVar (database versions not stated): gnomAD exomes below 0.00001.
gnomAD v4.1: 1 of 1,613,606 alleles (0.000062%); highest among the groups gnomAD compares: Non-Finnish European, 0.000085%; no homozygotes.

Submissions (4):

Labcorp Genetics (formerly Invitae), Labcorp
Classification: Uncertain significance for Arrhythmogenic right ventricular dysplasia 11. Last evaluated: 2025-10-17. Review status: criteria provided, single submitter. Criteria: Invitae Variant Classification Sherloc (09022015). Collection method: clinical testing. Allele origin: germline.
Comment: This sequence change replaces glutamic acid, which is acidic and polar, with glycine, which is neutral and non-polar, at codon 246 of the DSC2 protein (p.Glu246Gly). This variant is not present in population databases (gnomAD no frequency). This variant has not been reported in the literature in individuals affected with DSC2-related conditions. ClinVar contains an entry for this variant (Variation ID: 393014). Invitae Evidence Modeling of protein sequence and biophysical properties (such as structural, functional, and spatial information, amino acid conservation, physicochemical variation, residue mobility, and thermodynamic stability) indicates that this missense variant is not expected to disrupt DSC2 protein function with a negative predictive value of 80%. In summary, the available evidence is currently insufficient to determine the role of this variant in disease. Therefore, it has been classified as a Variant of Uncertain Significance.

Color Diagnostics, LLC DBA Color Health
Classification: Uncertain significance for Cardiomyopathy. Last evaluated: 2024-03-06. Review status: criteria provided, single submitter. Criteria: ACMG Guidelines, 2015. Collection method: clinical testing. Allele origin: germline.
Comment: This missense variant replaces glutamic acid with glycine at codon 246 of the DSC2 protein. Computational prediction tool suggests that this variant may not impact protein structure and function (internally defined REVEL score threshold <=0.5, PMID: 27666373). Splice site prediction tools suggest that this variant may not impact RNA splicing. To our knowledge, functional studies have not been performed for this variant. This variant has not been reported in individuals affected with cardiovascular disorders in the literature. This variant has not been identified in the general population by the Genome Aggregation Database (gnomAD). The available evidence is insufficient to determine the role of this variant in disease conclusively. Therefore, this variant is classified as a Variant of Uncertain Significance.

Ambry Genetics
Classification: Uncertain significance for Cardiovascular phenotype. Last evaluated: 2022-02-07. Review status: criteria provided, single submitter. Criteria: Ambry Variant Classification Scheme 2023. Collection method: clinical testing. Allele origin: germline.
Comment: The p.E246G variant (also known as c.737A>G), located in coding exon 6 of the DSC2 gene, results from an A to G substitution at nucleotide position 737. The glutamic acid at codon 246 is replaced by glycine, an amino acid with similar properties. This amino acid position is conserved. In addition, this alteration is predicted to be tolerated by in silico analysis. Since supporting evidence is limited at this time, the clinical significance of this alteration remains unclear.

GeneDx
Classification: Uncertain significance. Last evaluated: 2017-01-16. Review status: criteria provided, single submitter. Criteria: GeneDx Variant Classification (06012015). Collection method: clinical testing. Allele origin: germline. Affected: yes.
Comment: A variant of uncertain significance has been identified in the DSC2 gene. The E246G variant has not been published as a pathogenic variant, nor has it been reported as a benign variant to our knowledge. This variant was not observed in approximately 6,500 individuals of European and African American ancestry in the NHLBI Exome Sequencing Project, indicating it is not a common benign variant in these populations. The E246G variant is a non-conservative amino acid substitution, which is likely to impact secondary protein structure as these residues differ in polarity, charge, size and/or other properties. However, this substitution occurs at a position that is not conserved across species, and in silico analysis predicts this variant likely does not alter the protein structure/function.

NM_024422.6(DSC2):c.737A>G (p.Glu246Gly)

Gene: DSC2 (desmocollin 2; minus strand). Cytogenetic location: 18q12.1.
Variant type: single nucleotide variant.
Coding change: c.737A>G on transcript NM_024422.6 (MANE Select); coding-DNA position 737, A replaced by G.
Protein change: p.Glu246Gly; replaces glutamic acid 246 with glycine.
Molecular consequence: missense variant.
Genome position (GRCh38, 1-based): chr18:31,087,707, T>C on the plus strand (A>G on the coding strand, the complement: DSC2 is on the minus strand). VCF-style: chr18-31087707-T-C. GRCh37 (hg19) VCF-style: chr18-28667670-T-C.
Other names: c.737A>G, p.Glu246Gly (NM_004949.5); short protein forms E246G.
Identifiers: ClinVar variation 393014 (VCV000393014.9), dbSNP rs1057524741, ClinGen allele CA16607912.